The following is an entry in ClinVar:

NM_001287.6(CLCN7):c.521T>C (p.Phe174Ser)

Gene: CLCN7 (chloride voltage-gated channel 7; minus strand). Cytogenetic location: 16p13.3.
Variant type: single nucleotide variant.
Coding change: c.521T>C on transcript NM_001287.6 (MANE Select); coding-DNA position 521, T replaced by C.
Protein change: p.Phe174Ser; replaces phenylalanine 174 with serine.
Molecular consequence: missense variant.
Genome position (GRCh38, 1-based): chr16:1,460,491, A>G on the plus strand (T>C on the coding strand, the complement: CLCN7 is on the minus strand). VCF-style: chr16-1460491-A-G. GRCh37 (hg19) VCF-style: chr16-1510492-A-G.
Other names: c.449T>C, p.Phe150Ser (NM_001114331.3); short protein forms F174S, F150S.
Identifiers: ClinVar variation 886406 (VCV000886406.8), dbSNP rs752298744, ClinGen allele CA7810742.

ClinVar aggregate classification (germline): Uncertain significance. Review status: criteria provided, multiple submitters, no conflicts (2 of 4 stars). 2 submissions from 2 submitters: Uncertain significance (2). Last evaluated 2026-01-11.

Conditions:
Osteopetrosis. Identifiers: Orphanet 2781, MedGen C0029454, MONDO:0017198, HP:0011002.

Allele frequency attached by ClinVar (database versions not stated): TOPMed 0.00005; ExAC 0.00006; gnomAD exomes 0.00007 and 0.00011; gnomAD 0.00008 and 0.00009.

Submissions (2):

Labcorp Genetics (formerly Invitae), Labcorp
Classification: Uncertain significance. Last evaluated: 2026-01-11. Review status: criteria provided, single submitter. Criteria: Invitae Variant Classification Sherloc (09022015). Collection method: clinical testing. Allele origin: germline.
Comment: This sequence change replaces phenylalanine, which is neutral and non-polar, with serine, which is neutral and polar, at codon 174 of the CLCN7 protein (p.Phe174Ser). This variant is present in population databases (rs752298744, gnomAD 0.01%). This variant has not been reported in the literature in individuals affected with CLCN7-related conditions. ClinVar contains an entry for this variant (Variation ID: 886406). Invitae Evidence Modeling of protein sequence and biophysical properties (such as structural, functional, and spatial information, amino acid conservation, physicochemical variation, residue mobility, and thermodynamic stability) indicates that this missense variant is not expected to disrupt CLCN7 protein function with a negative predictive value of 95%. In summary, the available evidence is currently insufficient to determine the role of this variant in disease. Therefore, it has been classified as a Variant of Uncertain Significance.

Illumina Laboratory Services, Illumina
Classification: Uncertain significance for Osteopetrosis. Last evaluated: 2018-01-13. Review status: criteria provided, single submitter. Criteria: ICSL Variant Classification Criteria 13 December 2019. Collection method: clinical testing. Allele origin: germline.